The following is an entry in ClinVar:

NM_001377458.1(CLCC1):c.902C>G (p.Ala301Gly)

Gene: CLCC1 (chloride channel CLIC like 1; minus strand). Cytogenetic location: 1p13.3.
Variant type: single nucleotide variant.
Coding change: c.902C>G on transcript NM_001377458.1 (MANE Select); coding-DNA position 902, C replaced by G.
Protein change: p.Ala301Gly; replaces alanine 301 with glycine.
Molecular consequence: missense variant. On other transcripts: non-coding transcript variant (1).
Genome position (GRCh38, 1-based): chr1:108,939,775, G>C on the plus strand (C>G on the coding strand, the complement: CLCC1 is on the minus strand). VCF-style: chr1-108939775-G-C. GRCh37 (hg19) VCF-style: chr1-109482397-G-C.
Other names: c.902C>G, p.Ala301Gly (NM_001048210.3, NM_001377459.1, NM_001377460.1 and 8 more transcripts); c.539C>G, p.Ala180Gly (NM_001278202.2); c.347C>G, p.Ala116Gly (NM_001278203.1); c.800C>G, p.Ala267Gly (NM_001377469.1); c.611C>G, p.Ala204Gly (NM_001377470.1); c.752C>G, p.Ala251Gly (NM_015127.5); short protein forms A116G, A180G, A204G, A251G, A267G, A301G.
Identifiers: ClinVar variation 1014817 (VCV001014817.8), dbSNP rs971519523, ClinGen allele CA28587187.

ClinVar aggregate classification (germline): Uncertain significance (1 of 4 stars; one submission).

Allele frequency attached by ClinVar (database versions not stated): gnomAD exomes below 0.00001; gnomAD 0.00001; TOPMed 0.00002.
gnomAD v4.1: 6 of 1,613,320 alleles (0.00037%); highest among the groups gnomAD compares: African/African-American, 0.0027%; no homozygotes.

Submission:

Labcorp Genetics (formerly Invitae), Labcorp
Classification: Uncertain significance. Last evaluated: 2020-06-23. Review status: criteria provided, single submitter. Criteria: Invitae Variant Classification Sherloc (09022015). Collection method: clinical testing. Allele origin: germline.
Comment: This variant has not been reported in the literature in individuals with CLCC1-related conditions. In summary, the available evidence is currently insufficient to determine the role of this variant in disease. Therefore, it has been classified as a Variant of Uncertain Significance. Algorithms developed to predict the effect of missense changes on protein structure and function are either unavailable or do not agree on the potential impact of this missense change (SIFT: "Deleterious"; PolyPhen-2: "Possibly Damaging"; Align-GVGD: "Class C0"). This variant is not present in population databases (ExAC no frequency). This sequence change replaces alanine with glycine at codon 301 of the CLCC1 protein (p.Ala301Gly). The alanine residue is highly conserved and there is a small physicochemical difference between alanine and glycine.